The following is an entry in ClinVar:

NM_002382.5(MAX):c.295+9C>T

Gene: MAX (MYC associated transcriptional regulator X; minus strand). Cytogenetic location: 14q23.3.
Variant type: single nucleotide variant.
Coding change: c.295+9C>T on transcript NM_002382.5 (MANE Select); 9 bases into the intron after coding-DNA position 295, C replaced by T.
Molecular consequence: intron variant.
Genome position (GRCh38, 1-based): chr14:65,077,904, G>A on the plus strand (C>T on the coding strand, the complement: MAX is on the minus strand). VCF-style: chr14-65077904-G-A. GRCh37 (hg19) VCF-style: chr14-65544622-G-A.
Other names: c.144+15804C>T (NM_001271069.2); c.171+15804C>T (NM_197957.4); c.268+9C>T (NM_145112.3); c.21+9C>T (NM_001320415.2); c.295+9C>T (NM_145113.3).
Identifiers: ClinVar variation 2048895 (VCV002048895.5), dbSNP rs1343980305, ClinGen allele CA390034028.

ClinVar aggregate classification (germline): Likely benign. Review status: criteria provided, multiple submitters, no conflicts (2 of 4 stars). 2 submissions from 2 submitters: Likely benign (2). Last evaluated 2026-06-08.

Conditions:
Pheochromocytoma. Also called: MAX-Related Hereditary Paraganglioma-Pheochromocytoma Syndrome. Identifiers: Orphanet 29072, MedGen C0031511, MONDO:0008233, OMIM 171300, HP:0002666.
Hereditary pheochromocytoma and paraganglioma. Also called: Hereditary paragangliomas and pheochromocytomas; Hereditary pheochromocytoma-paraganglioma; Hereditary Paraganglioma-Pheochromocytoma Syndromes. Identifiers: Orphanet 29072, MedGen C4274332, MONDO:0017366.

Allele frequency attached by ClinVar (database versions not stated): gnomAD exomes below 0.00001; gnomAD 0.00002; TOPMed 0.00002.
gnomAD v4.1: 4 of 1,614,102 alleles (0.00025%); highest among the groups gnomAD compares: African/African-American, 0.0053%; no homozygotes.

Submissions (2):

Myriad Genetics, Inc.
Classification: Likely benign for Pheochromocytoma. Last evaluated: 2026-06-08. Review status: criteria provided, single submitter. Criteria: Myriad Autosomal Dominant, Autosomal Recessive and X-Linked Classification Criteria (2023). Collection method: clinical testing. Allele origin: unknown.
Comment: This variant is considered likely benign. This variant is intronic and is not expected to impact mRNA splicing.

Labcorp Genetics (formerly Invitae), Labcorp
Classification: Likely benign for Hereditary pheochromocytoma and paraganglioma. Last evaluated: 2025-07-19. Review status: criteria provided, single submitter. Criteria: Invitae Variant Classification Sherloc (09022015). Collection method: clinical testing. Allele origin: germline.